The following is an entry in ClinVar:

NM_002230.4(JUP):c.878A>C (p.Gln293Pro)

Gene: JUP (junction plakoglobin; minus strand). Cytogenetic location: 17q21.2.
Variant type: single nucleotide variant.
Coding change: c.878A>C on transcript NM_002230.4 (MANE Select); coding-DNA position 878, A replaced by C.
Protein change: p.Gln293Pro; replaces glutamine 293 with proline.
Molecular consequence: missense variant.
Genome position (GRCh38, 1-based): chr17:41,767,410, T>G on the plus strand (A>C on the coding strand, the complement: JUP is on the minus strand). VCF-style: chr17-41767410-T-G. GRCh37 (hg19) VCF-style: chr17-39923662-T-G.
Other names: c.878A>C, p.Gln293Pro (NM_001352773.2, NM_001352774.2, NM_001352775.2 and 3 more transcripts); short protein forms Q293P.
Identifiers: ClinVar variation 3531620 (VCV003531620.1).
Genomic context (GRCh38, chr17:41,767,410, plus strand): 5'-AGGCCTCGGGAGAGTTGGGGAGGGCCCACCTTGCTCTCCTGGTTGCCGTAGGCCAGGAGC[T>G]GCAGGCAGTCGGTGGTGATGGCCAGGAACTTGGGGTTGTTCTTGTTGAGCAGGGGCACCA-3'
Protein context (NP_002221.1, residues 283-303): KFLAITTDCL[Gln293Pro]LLAYGNQESK

ClinVar aggregate classification (germline): Uncertain significance (1 of 4 stars; one submission).

Conditions:
Cardiovascular phenotype. Identifiers: MedGen CN230736.

Submission:

Ambry Genetics
Classification: Uncertain significance for Cardiovascular phenotype. Last evaluated: 2024-10-08. Review status: criteria provided, single submitter. Criteria: Ambry Variant Classification Scheme 2023. Collection method: clinical testing. Allele origin: germline.
Comment: The p.Q293P variant (also known as c.878A>C), located in coding exon 4 of the JUP gene, results from an A to C substitution at nucleotide position 878. The glutamine at codon 293 is replaced by proline, an amino acid with similar properties. This amino acid position is conserved. In addition, this alteration is predicted to be deleterious by in silico analysis. Based on the available evidence, the clinical significance of this variant remains unclear.